The following is an entry in ClinVar:

NM_001271.4(CHD2):c.4343C>T (p.Thr1448Ile)

Gene: CHD2 (chromodomain helicase DNA binding protein 2; plus strand). Cytogenetic location: 15q26.1.
Variant type: single nucleotide variant.
Coding change: c.4343C>T on transcript NM_001271.4 (MANE Select); coding-DNA position 4343, C replaced by T.
Protein change: p.Thr1448Ile; replaces threonine 1448 with isoleucine.
Molecular consequence: missense variant.
Genome position (GRCh38, 1-based): chr15:93,004,681, C>T. VCF-style: chr15-93004681-C-T. GRCh37 (hg19) VCF-style: chr15-93547911-C-T.
Other names: short protein forms T1448I.
Identifiers: ClinVar variation 1445453 (VCV001445453.6), dbSNP rs2141876540, ClinGen allele CA393903307.

ClinVar aggregate classification (germline): Uncertain significance (1 of 4 stars; one submission).

Conditions:
Developmental and epileptic encephalopathy 94 (DEE94). Also called: CHD2-Related Neurodevelopmental Disorders; Epileptic encephalopathy, childhood-onset. Identifiers: Orphanet 1942, Orphanet 2382, MedGen C3809278, MONDO:0014150, OMIM 615369.

Submission:

Labcorp Genetics (formerly Invitae), Labcorp
Classification: Uncertain significance for Developmental and epileptic encephalopathy 94. Last evaluated: 2021-10-29. Review status: criteria provided, single submitter. Criteria: Invitae Variant Classification Sherloc (09022015). Collection method: clinical testing. Allele origin: germline.
Comment: This sequence change replaces threonine, which is neutral and polar, with isoleucine, which is neutral and non-polar, at codon 1448 of the CHD2 protein (p.Thr1448Ile). This variant is not present in population databases (gnomAD no frequency). This variant has not been reported in the literature in individuals affected with CHD2-related conditions. Advanced modeling of protein sequence and biophysical properties (such as structural, functional, and spatial information, amino acid conservation, physicochemical variation, residue mobility, and thermodynamic stability) performed at Invitae indicates that this missense variant is not expected to disrupt CHD2 protein function. In summary, the available evidence is currently insufficient to determine the role of this variant in disease. Therefore, it has been classified as a Variant of Uncertain Significance.